The following is an entry in ClinVar:

NM_001351132.2(PEX5):c.500C>G (p.Ser167Ter)

Gene: PEX5 (peroxisomal biogenesis factor 5; plus strand). Cytogenetic location: 12p13.31.
Variant type: single nucleotide variant.
Coding change: c.500C>G on transcript NM_001351132.2 (MANE Select); coding-DNA position 500, C replaced by G.
Protein change: p.Ser167Ter; replaces serine 167 with a stop codon.
Molecular consequence: nonsense.
Genome position (GRCh38, 1-based): chr12:7,199,062, C>G. VCF-style: chr12-7199062-C-G. GRCh37 (hg19) VCF-style: chr12-7351658-C-G.
Other names: c.500C>G, p.Ser167Ter (NM_000319.5, NM_001351131.2, NM_001351133.2 and 19 more transcripts); c.545C>G, p.Ser182Ter (NM_001351135.3, NM_001351138.2, NM_001131023.2); short protein forms S167*, S182*.
Identifiers: ClinVar variation 2007445 (VCV002007445.4), dbSNP rs2540040738, ClinGen allele CA383717730.
Genomic context (GRCh38, chr12:7,199,062, plus strand): 5'-TCCTTGCAGACCCCTTGTCTGTGTCCCCTGCCCGCTGGGCTGAGGAATATTTGGAGCAAT[C>G]AGAGGAGAAGCTGTGGCTGGGAGAACCTGAGGGAACAGCCACCGATCGCTGGTGAGTTCA-3'

ClinVar aggregate classification (germline): Pathogenic (1 of 4 stars; one submission).

Conditions:
Peroxisome biogenesis disorder 2B (PBD2B). Identifiers: Orphanet 44, MedGen C3550234, MONDO:0008736, OMIM 202370.

Submission:

Labcorp Genetics (formerly Invitae), Labcorp
Classification: Pathogenic for Peroxisome biogenesis disorder 2B. Last evaluated: 2022-06-16. Review status: criteria provided, single submitter. Criteria: Invitae Variant Classification Sherloc (09022015). Collection method: clinical testing. Allele origin: germline.
Comment: For these reasons, this variant has been classified as Pathogenic. This variant has not been reported in the literature in individuals affected with PEX5-related conditions. This variant is not present in population databases (gnomAD no frequency). This sequence change creates a premature translational stop signal (p.Ser167*) in the PEX5 gene. It is expected to result in an absent or disrupted protein product. Loss-of-function variants in PEX5 are known to be pathogenic (PMID: 18712838, 21031596).

Literature cited by the submitters: PubMed 18712838; PubMed 21031596.